The following is an entry in ClinVar:

NM_016604.4(KDM3B):c.2206A>G (p.Ile736Val)

Gene: KDM3B (lysine demethylase 3B; plus strand). Cytogenetic location: 5q31.2.
Variant type: single nucleotide variant.
Coding change: c.2206A>G on transcript NM_016604.4 (MANE Select); coding-DNA position 2206, A replaced by G.
Protein change: p.Ile736Val; replaces isoleucine 736 with valine.
Molecular consequence: missense variant.
Genome position (GRCh38, 1-based): chr5:138,391,838, A>G. VCF-style: chr5-138391838-A-G. GRCh37 (hg19) VCF-style: chr5-137727527-A-G.
Other names: short protein forms I736V.
Identifiers: ClinVar variation 3254543 (VCV003254543.1), dbSNP rs2480211254.

ClinVar aggregate classification (germline): Uncertain significance (1 of 4 stars; one submission).

Conditions:
Diets-Jongmans syndrome. Also called: INTELLECTUAL DEVELOPMENTAL DISORDER WITH DISTINCTIVE FACIAL DYSMORPHISM. Identifiers: MedGen C5394263, MONDO:0030012, OMIM 618846.

Allele frequency attached by ClinVar (database versions not stated): gnomAD exomes 0.00001.
gnomAD v4.1: 12 of 1,614,090 alleles (0.00074%); highest among the groups gnomAD compares: Non-Finnish European, 0.001%; no homozygotes.

Submission:

Victorian Clinical Genetics Services, Murdoch Childrens Research Institute
Classification: Uncertain significance for Diets-Jongmans syndrome. Last evaluated: 2023-07-17. Review status: criteria provided, single submitter. Criteria: ACMG Guidelines, 2015. Collection method: clinical testing. Allele origin: germline. Inheritance: Autosomal dominant inheritance. Affected: yes.
Comment: Based on the classification scheme VCGS_Germline_v1.3.4, this variant is classified as VUS-3B. Following criteria are met: 0102 - Loss of function is a likely mechanism of disease in this gene and is associated with Diets-Jongmans syndrome (MIM# 618846). (I) 0107 - This gene is associated with autosomal dominant disease. (I) 0115 - Variants in this gene are known to have variable expressivity. Clinical variability in affected individuals with KDM3B variants has been observed (PMID: 30929739). (I) 0200 - Variant is predicted to result in a missense amino acid change from isoleucine to valine. (I) 0251 - This variant is heterozygous. (I) 0301 - Variant is absent from gnomAD (both v2 and v3). (SP) 0503 - Missense variant consistently predicted to be tolerated by multiple in silico tools or not conserved in placental mammals with a minor amino acid change. (SB) 0604 - Variant is not located in an established domain, motif, hotspot or informative constraint region. (I) 0705 - No comparable missense variants have previous evidence for pathogenicity. (I) 0807 - This variant has no previous evidence of pathogenicity. (I) 0905 - No published segregation evidence has been identified for this variant. (I) 1007 - No published functional evidence has been identified for this variant. (I) 1207 - Parental origin of the variant is unresolved. (I) Legend: (SP) - Supporting pathogenic, (I) - Information, (SB) - Supporting benign

Literature cited by the submitters: PubMed 30929739.